The following is an entry in ClinVar:

ClinVar aggregate classification (germline): Likely benign (1 of 4 stars; one submission).

Allele frequency attached by ClinVar (database versions not stated): 1000 Genomes Project 30x 0.00297; 1000 Genomes Project 0.00300; ESP Exome Variant Server 0.00561; ExAC 0.00573.

Submission:

CeGaT Center for Human Genetics Tuebingen
Classification: Likely benign. Last evaluated: 2024-01-01. Review status: criteria provided, single submitter. Criteria: CeGaT Center For Human Genetics Tuebingen Variant Classification Criteria Version 2. Collection method: clinical testing. Allele origin: germline. Affected: yes. Observed: 1 variant allele.
Comment: LRGUK: BS2

NM_144648.3(LRGUK):c.1583G>A (p.Arg528His)

Gene: LRGUK (leucine rich repeats and guanylate kinase domain containing; plus strand). Cytogenetic location: 7q33.
Variant type: single nucleotide variant.
Coding change: c.1583G>A on transcript NM_144648.3 (MANE Select); coding-DNA position 1583, G replaced by A.
Protein change: p.Arg528His; replaces arginine 528 with histidine.
Molecular consequence: missense variant. On other transcripts: non-coding transcript variant (1).
Genome position (GRCh38, 1-based): chr7:134,199,257, G>A. VCF-style: chr7-134199257-G-A. GRCh37 (hg19) VCF-style: chr7-133884009-G-A.
Other names: c.1583G>A, p.Arg528His (NM_001365700.3, NM_001365701.3, NM_001401519.1); short protein forms R528H.
Identifiers: ClinVar variation 3024820 (VCV003024820.22), dbSNP rs61753513, ClinGen allele CA4492532.